The following is an entry in ClinVar:

ClinVar aggregate classification (germline): Uncertain significance. Review status: reviewed by expert panel (3 of 4 stars). 10 submissions from 10 submitters: Uncertain significance (1). 9 of the submissions do not count toward it. Last evaluated 2025-08-01.

Conditions:
RYR1-related disorder. Also called: RYR1-related condition; RYR1-related disorders. Identifiers: MedGen CN239331.
Congenital myopathy with fiber type disproportion. Also called: Congenital fiber-type disproportion; Congenital fiber-type disproportion myopathy. Identifiers: Orphanet 2020, MedGen C0546264, MONDO:0009711. Inheritance: all.
Malignant hyperthermia, susceptibility to, 1 (MHS1). Also called: RYR1-Related Malignant Hyperthermia Susceptibility; Anesthesia related hyperthermia; Malignant hyperpyrexia; Fulminating hyperpyrexia; Pharmacogenic myopathy; Malignant hyperthermia suceptibility 1. Identifiers: Orphanet 423, MedGen C2930980, MONDO:0007783, OMIM 145600.
Central core myopathy (CMYO1A). Also called: Central core disease; Myopathy, central fibrillar; CONGENITAL MYOPATHY 1A, AUTOSOMAL DOMINANT, WITH SUSCEPTIBILITY TO MALIGNANT HYPERTHERMIA. Identifiers: Orphanet 597, MedGen C5830701, MONDO:0007294, OMIM 117000.
Congenital multicore myopathy with external ophthalmoplegia (CMYO1B). Also called: MULTIMINICORE DISEASE WITH EXTERNAL OPHTHALMOPLEGIA; Congenital myopathy 1B, autosomal recessive; Minicore myopathy; Minicore myopathy with external ophthalmoplegia; MULTICORE MYOPATHY. Identifiers: Orphanet 598, Orphanet 98905, MedGen C1850674, MONDO:0009712, OMIM 255320, HP:0003789.
Malignant hyperthermia of anesthesia. Also called: Anesthesic-triggered malignant hyperthermia. Identifiers: Orphanet 423, MedGen C0024591, MONDO:0018493, HP:0034733.

Allele frequency attached by ClinVar (database versions not stated): gnomAD 0.00001; TOPMed 0.00001; ExAC 0.00002; gnomAD exomes 0.00002 and 0.00003.
gnomAD v4.1: 35 of 1,613,146 alleles (0.0022%); highest among the groups gnomAD compares: African/African-American, 0.0027%; no homozygotes.

Submissions (10):

ClinGen Malignant Hyperthermia Susceptibility Variant Curation Expert Panel, ClinGen
Classification: Uncertain significance for Malignant hyperthermia of anesthesia. Last evaluated: 2025-08-01. Review status: reviewed by expert panel. Criteria: ClinGen MHS ACMG Specifications V2. Collection method: curation. Allele origin: germline. Inheritance: Autosomal dominant inheritance.
Comment: This pathogenicity assessment is relevant only for malignant hyperthermia susceptibility (MHS) inherited in an autosomal dominant pattern. Variants in RYR1 can also cause other myopathies inherited in an autosomal dominant pattern or in an autosomal recessive pattern. Some of these disorders may predispose individuals to malignant hyperthermia. RYR1 variants may also contribute to a malignant hyperthermia reaction in combination with other genetic and non-genetic factors and the clinician needs to consider such factors in making management decisions. This sequence variant predicts a substitution of glutamic acid with lysine at codon 176 of the RYR1 protein, p.(Glu176Lys). The maximum allele frequency for this variant among the six major gnomAD populations is SAS: 0.0000649, a frequency consistent with pathogenicity for MHS. This variant has been reported in three individuals with a personal or family history of an MH episode and a positive in vitro contracture test (IVCT) or caffeine halothane contracture test (CHCT) result (if the proband was unavailable for testing, a positive diagnostic test result in a mutation-positive relative was counted), PS4_Moderate (PMID:30236257, MH Investigation Unit (MHIU), UHN, Toronto). No functional studies were identified for this variant. This variant resides in a region of RYR1 considered to be a hotspot for pathogenic variants that contribute to MHS, PM1 (PMID: 21118704). A REVEL score of 0.803 supports neither a pathogenic nor a benign status for this variant. This variant has been classified as a Variant of Unknown Significance. Criteria implemented: PS4_Moderate, PM1.

Labcorp Genetics (formerly Invitae), Labcorp
Classification: Pathogenic for RYR1-related disorder. Last evaluated: 2025-10-02. Review status: criteria provided, single submitter. Criteria: Invitae Variant Classification Sherloc (09022015). Collection method: clinical testing. Allele origin: germline. Not counted in ClinVar's aggregate classification.
Comment: This sequence change replaces glutamic acid, which is acidic and polar, with lysine, which is basic and polar, at codon 176 of the RYR1 protein (p.Glu176Lys). This variant is present in population databases (rs761616815, gnomAD 0.007%). This missense change has been observed in individual(s) with autosomal dominant malignant hyperthermia susceptibility (PMID: 28326467, 30236257; internal data). ClinVar contains an entry for this variant (Variation ID: 198090). Invitae Evidence Modeling of protein sequence and biophysical properties (such as structural, functional, and spatial information, amino acid conservation, physicochemical variation, residue mobility, and thermodynamic stability) indicates that this missense variant is expected to disrupt RYR1 protein function with a positive predictive value of 95%. This variant disrupts the p.Glu176 amino acid residue in RYR1. Other variant(s) that disrupt this residue have been observed in individuals with RYR1-related conditions (PMID: 29635721; internal data), which suggests that this may be a clinically significant amino acid residue. For these reasons, this variant has been classified as Pathogenic.

Blueprint Genetics
Classification: Uncertain significance. Last evaluated: 2024-09-05. Review status: criteria provided, single submitter. Criteria: ACMG Guidelines, 2015. Collection method: clinical testing. Allele origin: germline. Not counted in ClinVar's aggregate classification.

All of Us Research Program, National Institutes of Health
Classification: Uncertain significance for Malignant hyperthermia, susceptibility to, 1. Last evaluated: 2023-11-20. Review status: criteria provided, single submitter. Criteria: ACMG Guidelines, 2015. Collection method: clinical testing. Allele origin: germline. Inheritance: Autosomal dominant inheritance. Observed: 4 variant alleles, 4 heterozygotes. Not counted in ClinVar's aggregate classification.
Comment: This missense variant replaces glutamic acid with lysine at codon 176 of the RYR1 protein. Computational prediction suggests that this variant may have deleterious impact on protein structure and function (internally defined REVEL score threshold >= 0.7, PMID: 27666373). This variant occurs in a region of the RYR1 protein that is considered to be a hotspot for pathogenic variants that contribute to malignant hyperthermia susceptibility (PMID: 21118704). To our knowledge, functional studies have not been reported for this variant. This variant has been reported in at least four individuals affected with malignant hyperthermia susceptibility (PMID: 30236257; ClinVar: SCV002570142.2, SCV000659958.3) and in four individuals affected with heat sensitivity, heat-induced rhabdomyolysis, or exertional rhabdomyolysis (PMID: 28326467, 33037202). This variant has been identified in 8/251062 chromosomes in the general population by the Genome Aggregation Database (gnomAD). The available evidence is insufficient to determine the role of this variant in disease conclusively. Therefore, this variant is classified as a Variant of Uncertain Significance.

This study involves interpretation of variants in research participants for the purpose of population health screening. Participant phenotype was not available at the time of variant classification. Additional details can be found in publication PMID: 35346344, PMCID: PMC8962531

Color Diagnostics, LLC DBA Color Health
Classification: Uncertain significance for Malignant hyperthermia, susceptibility to, 1. Last evaluated: 2023-10-23. Review status: criteria provided, single submitter. Criteria: ACMG Guidelines, 2015. Collection method: clinical testing. Allele origin: germline. Not counted in ClinVar's aggregate classification.
Comment: This missense variant replaces glutamic acid with lysine at codon 176 of the RYR1 protein. Computational prediction suggests that this variant may have deleterious impact on protein structure and function. This variant occurs in a region of the RYR1 protein that is considered to be a hotspot for pathogenic variants that contribute to malignant hyperthermia susceptibility (PMID: 21118704). To our knowledge, functional studies have not been reported for this variant. This variant has been reported in at least four individuals affected with malignant hyperthermia susceptibility (PMID: 30236257ClinVar: SCV002570142.2, SCV000659958.3) and in four individuals affected with heat sensitivity, heat-induced rhabdomyolysis, or exertional rhabdomyolysis (PMID: 28326467, 33037202). This variant has been identified in 8/251062 chromosomes in the general population by the Genome Aggregation Database (gnomAD). The available evidence is insufficient to determine the role of this variant in disease conclusively. Therefore, this variant is classified as a Variant of Uncertain Significance.

Revvity Omics, Revvity
Classification: Uncertain significance. Last evaluated: 2021-10-22. Review status: criteria provided, single submitter. Criteria: ACMG Guidelines, 2015. Collection method: clinical testing. Allele origin: germline. Not counted in ClinVar's aggregate classification.

Fulgent Genetics
Classification: Uncertain significance for Central core myopathy; Malignant hyperthermia, susceptibility to, 1; Congenital myopathy 4A, autosomal dominant; Congenital multicore myopathy with external ophthalmoplegia. Last evaluated: 2018-10-31. Review status: criteria provided, single submitter. Criteria: ACMG Guidelines, 2015. Collection method: clinical testing. Allele origin: unknown. Not counted in ClinVar's aggregate classification.

Genetic Services Laboratory, University of Chicago
Classification: Uncertain significance. Last evaluated: 2017-02-08. Review status: criteria provided, single submitter. Criteria: ACMG Guidelines, 2015. Collection method: clinical testing. Allele origin: germline. Affected: no. Not counted in ClinVar's aggregate classification.

Eurofins Ntd Llc (ga)
Classification: Uncertain significance. Last evaluated: 2014-11-17. Review status: criteria provided, single submitter. Criteria: EGL Classification Definitions 2015. Collection method: clinical testing. Allele origin: germline. Observed: 2 variant alleles, 1 heterozygote, 1 homozygote. Not counted in ClinVar's aggregate classification.

PreventionGenetics, part of Exact Sciences
Classification: Uncertain significance for RYR1-related condition. Last evaluated: 2024-07-30. Review status: no assertion criteria provided. Collection method: clinical testing. Allele origin: germline. Not counted in ClinVar's aggregate classification.
Comment: The RYR1 c.526G>A variant is predicted to result in the amino acid substitution p.Glu176Lys. This variant was reported in the literature in one family with malignant hyperthermia (Miller et al., 2018. PubMed ID: 30236257). This variant is reported in 0.0065% of alleles in individuals of South Asian descent in gnomAD. This variant has been classified as a variant of uncertain significance by multiple submitters in clinvar including the ClinGen Malignant Hyperthermia Susceptibility Variant Curation Expert Panel. At this time, the clinical significance of this variant is uncertain due to the absence of conclusive functional and genetic evidence.

Literature cited by the submitters: PubMed 28326467 (cited by 3 submitters); PubMed 30236257 (cited by 3 submitters); PubMed 29635721 (cited by Labcorp Genetics (formerly Invitae), Labcorp); PubMed 21118704 (cited by All of Us Research Program, National Institutes of Health and Color Diagnostics, LLC DBA Color Health); PubMed 33037202 (cited by All of Us Research Program, National Institutes of Health and Color Diagnostics, LLC DBA Color Health).

NM_000540.3(RYR1):c.526G>A (p.Glu176Lys)

Gene: RYR1 (ryanodine receptor 1; plus strand). Cytogenetic location: 19q13.2.
Variant type: single nucleotide variant.
Coding change: c.526G>A on transcript NM_000540.3 (MANE Select); coding-DNA position 526, G replaced by A.
Protein change: p.Glu176Lys; replaces glutamic acid 176 with lysine.
Molecular consequence: missense variant.
Genome position (GRCh38, 1-based): chr19:38,444,250, G>A. VCF-style: chr19-38444250-G-A. GRCh37 (hg19) VCF-style: chr19-38934890-G-A.
Other names: NM_000540.2(RYR1):c.526G>A; p.Glu176Lys; c.526G>A, p.Glu176Lys (NM_001042723.2); short protein forms E176K.
Identifiers: ClinVar variation 198090 (VCV000198090.28), dbSNP rs761616815, ClinGen allele CA024501.
Genomic context (GRCh38, chr19:38,444,250, plus strand): 5'-AGGTCTGAAGGAGAAAAGGTCCGCGTTGGGGATGACATCATCCTTGTCAGTGTCTCCTCC[G>A]AGCGCTACCTGGTGAGCCATTGCGGTTCCTCCTGCTCCCAGGTCTGGGGGCGCATGGGAT-3'
Protein context (NP_000531.2, residues 166-186): DDIILVSVSS[Glu176Lys]RYLHLSTASG